The following is an entry in ClinVar:

NM_001367624.2(ZNF469):c.11033G>A (p.Ser3678Asn)

Gene: ZNF469 (zinc finger protein 469; plus strand). Cytogenetic location: 16q24.2.
Variant type: single nucleotide variant.
Coding change: c.11033G>A on transcript NM_001367624.2 (MANE Select); coding-DNA position 11033, G replaced by A.
Protein change: p.Ser3678Asn; replaces serine 3678 with asparagine.
Molecular consequence: missense variant.
Genome position (GRCh38, 1-based): chr16:88,438,503, G>A. VCF-style: chr16-88438503-G-A. GRCh37 (hg19) VCF-style: chr16-88504911-G-A.
Other names: NM_001127464.1:c.10949G>A; p.Ser3678Asn; NM_001127464.2:c.10949G>A; short protein forms S3678N.
Identifiers: ClinVar variation 1361364 (VCV001361364.11), dbSNP rs781084356, ClinGen allele CA8225572.

ClinVar aggregate classification (germline): Conflicting classifications of pathogenicity. Review status: criteria provided, conflicting classifications (1 of 4 stars). 5 submissions from 5 submitters: Uncertain significance (4); Benign (1). Last evaluated 2026-03-24.

Conditions:
ZNF469-related disorder. Also called: ZNF469-related condition.
Cardiovascular phenotype. Identifiers: MedGen CN230736.

Allele frequency attached by ClinVar (database versions not stated): gnomAD exomes 0.00007 and 0.00013; TOPMed 0.00010; gnomAD 0.00012 and 0.00013; ExAC 0.00045.
gnomAD v4.1: 118 of 1,550,022 alleles (0.0076%); highest among the groups gnomAD compares: Non-Finnish European, 0.0099%; no homozygotes.

Submissions (5):

Women's Health and Genetics/Laboratory Corporation of America, LabCorp
Classification: Uncertain significance. Last evaluated: 2026-03-24. Review status: criteria provided, single submitter. Criteria: LabCorp Variant Classification Summary - May 2015. Collection method: clinical testing. Allele origin: germline.
Comment: Variant summary: ZNF469 c.11033G>A (p.Ser3678Asn) results in a conservative amino acid change in the encoded protein sequence. Algorithms developed to predict the effect of missense changes on protein structure and function all suggest that this variant is likely to be tolerated. The variant allele was found at a frequency of 0.00013 in 147542 control chromosomes. This frequency is not significantly higher than estimated for disease-causing variants in ZNF469, allowing no conclusion about variant significance. To our knowledge, no occurrence of c.11033G>A in individuals affected with ZNF469-related conditions and no experimental evidence demonstrating its impact on protein function have been reported. ClinVar contains an entry for this variant (Variation ID: 1361364). Based on the evidence outlined above, the variant was classified as uncertain significance.

PreventionGenetics, part of Exact Sciences
Classification: Uncertain significance for ZNF469-related condition. Last evaluated: 2025-04-08. Review status: criteria provided, single submitter. Criteria: ACMG Guidelines, 2015. Collection method: clinical testing. Allele origin: germline.
Comment: The ZNF469 c.10949G>A variant is predicted to result in the amino acid substitution p.Ser3650Asn. To our knowledge, this variant has not been reported in the literature. This variant is reported in 0.039% of alleles in individuals of European (Non-Finnish) descent in gnomAD. At this time, the clinical significance of this variant is uncertain due to the absence of conclusive functional and genetic evidence.

Mayo Clinic Laboratories, Mayo Clinic
Classification: Uncertain significance. Last evaluated: 2025-01-03. Review status: criteria provided, single submitter. Criteria: ACMG Guidelines, 2015. Collection method: clinical testing. Allele origin: germline. Observed: 3 variant alleles.
Comment: BP4_moderate

Ambry Genetics
Classification: Benign for Cardiovascular phenotype. Last evaluated: 2024-01-17. Review status: criteria provided, single submitter. Criteria: Ambry Variant Classification Scheme 2023. Collection method: clinical testing. Allele origin: germline.

Labcorp Genetics (formerly Invitae), Labcorp
Classification: Uncertain significance. Last evaluated: 2022-10-23. Review status: criteria provided, single submitter. Criteria: Invitae Variant Classification Sherloc (09022015). Collection method: clinical testing. Allele origin: germline.
Comment: This sequence change replaces serine, which is neutral and polar, with asparagine, which is neutral and polar, at codon 3650 of the ZNF469 protein (p.Ser3650Asn). This variant is present in population databases (rs781084356, gnomAD 0.03%). This variant has not been reported in the literature in individuals affected with ZNF469-related conditions. ClinVar contains an entry for this variant (Variation ID: 1361364). Algorithms developed to predict the effect of missense changes on protein structure and function output the following: SIFT: "Tolerated"; PolyPhen-2: "Possibly Damaging"; Align-GVGD: "Class C0". The asparagine amino acid residue is found in multiple mammalian species, which suggests that this missense change does not adversely affect protein function. In summary, the available evidence is currently insufficient to determine the role of this variant in disease. Therefore, it has been classified as a Variant of Uncertain Significance.